The following is an entry in ClinVar:

ClinVar aggregate classification (germline): Uncertain significance. Review status: criteria provided, multiple submitters, no conflicts (2 of 4 stars). 2 submissions from 2 submitters: Uncertain significance (2). Last evaluated 2024-10-30.

Conditions:
Houge-Janssens syndrome 2. Also called: INTELLECTUAL DEVELOPMENTAL DISORDER, AUTOSOMAL DOMINANT 36; PPP2R1A-Related Neurodevelopmental Disorder; Microcephaly-corpus callosum hypoplasia-intellectual disability-facial dysmorphism syndrome. Identifiers: Orphanet 457284, MedGen C4225352, MONDO:0014605, OMIM 616362.

Submissions (2):

Blueprint Genetics
Classification: Uncertain significance. Last evaluated: 2024-10-30. Review status: criteria provided, single submitter. Criteria: ACMG Guidelines, 2015. Collection method: clinical testing. Allele origin: germline.

3billion
Classification: Uncertain significance for Houge-Janssens syndrome 2. Last evaluated: 2023-11-27. Review status: criteria provided, single submitter. Criteria: ACMG Guidelines, 2015. Collection method: clinical testing. Allele origin: germline. Affected: yes.
Comment: The variant is not observed in the gnomAD v2.1.1 dataset. Predicted Consequence/Location: Missense changes are a common disease-causing mechanism. In silico tool predictions suggest damaging effect of the variant on gene or gene product [3Cnet: 0.60 (>=0.6, sensitivity 0.72 and precision 0.9)]. Therefore, this variant is classified as VUS according to the recommendation of ACMG/AMP guideline.

NM_014225.6(PPP2R1A):c.1460T>C (p.Leu487Ser)

Gene: PPP2R1A (protein phosphatase 2 scaffold subunit Aalpha; plus strand). Cytogenetic location: 19q13.41.
Variant type: single nucleotide variant.
Coding change: c.1460T>C on transcript NM_014225.6 (MANE Select); coding-DNA position 1460, T replaced by C.
Protein change: p.Leu487Ser; replaces leucine 487 with serine.
Molecular consequence: missense variant. On other transcripts: non-coding transcript variant (1).
Genome position (GRCh38, 1-based): chr19:52,221,075, T>C. VCF-style: chr19-52221075-T-C. GRCh37 (hg19) VCF-style: chr19-52724328-T-C.
Other names: c.923T>C, p.Leu308Ser (NM_001363656.2); short protein forms L308S, L487S.
Identifiers: ClinVar variation 3775218 (VCV003775218.2).